The following is an entry in ClinVar:

NM_000350.3(ABCA4):c.6147+9T>A

Gene: ABCA4 (ATP binding cassette subfamily A member 4; minus strand). Cytogenetic location: 1p22.1.
Variant type: single nucleotide variant.
Coding change: c.6147+9T>A on transcript NM_000350.3 (MANE Select); 9 bases into the intron after coding-DNA position 6147, T replaced by A.
Molecular consequence: intron variant.
Genome position (GRCh38, 1-based): chr1:94,005,432, A>T on the plus strand (T>A on the coding strand, the complement: ABCA4 is on the minus strand). VCF-style: chr1-94005432-A-T. GRCh37 (hg19) VCF-style: chr1-94470988-A-T.
Identifiers: ClinVar variation 1083296 (VCV001083296.12), dbSNP rs778917656, ClinGen allele CA957017.

ClinVar aggregate classification (germline): Conflicting classifications of pathogenicity. Review status: criteria provided, conflicting classifications (1 of 4 stars). 3 submissions from 3 submitters: Uncertain significance (1); Likely benign (1). 1 of the submissions does not count toward it. Last evaluated 2025-04-24.

Conditions:
ABCA4-related disorder. Also called: ABCA4-related disorders; ABCA4-related condition. Identifiers: MedGen CN239167.

Allele frequency attached by ClinVar (database versions not stated): TOPMed 0.00005.
gnomAD v4.1: 12 of 1,613,820 alleles (0.00074%); highest among the groups gnomAD compares: East Asian, 0.025%; no homozygotes.

Submissions (3):

Labcorp Genetics (formerly Invitae), Labcorp
Classification: Likely benign. Last evaluated: 2025-04-24. Review status: criteria provided, single submitter. Criteria: Invitae Variant Classification Sherloc (09022015). Collection method: clinical testing. Allele origin: germline.

Blueprint Genetics
Classification: Uncertain significance. Last evaluated: 2018-07-26. Review status: criteria provided, single submitter. Criteria: ACMG Guidelines, 2015. Collection method: clinical testing. Allele origin: germline.

PreventionGenetics, part of Exact Sciences
Classification: Likely benign for ABCA4-related condition. Last evaluated: 2022-06-27. Review status: no assertion criteria provided. Collection method: clinical testing. Allele origin: germline. Not counted in ClinVar's aggregate classification.
Comment: This variant is classified as likely benign based on ACMG/AMP sequence variant interpretation guidelines (Richards et al. 2015 PMID: 25741868, with internal and published modifications).